The following is an entry in ClinVar:

NM_022455.5(NSD1):c.6152-14G>A

Gene: NSD1 (nuclear receptor binding SET domain protein 1; plus strand). Cytogenetic location: 5q35.3.
Variant type: single nucleotide variant.
Coding change: c.6152-14G>A on transcript NM_022455.5 (MANE Select); 14 bases into the intron before coding-DNA position 6152, G replaced by A.
Molecular consequence: intron variant.
Genome position (GRCh38, 1-based): chr5:177,288,805, G>A. VCF-style: chr5-177288805-G-A. GRCh37 (hg19) VCF-style: chr5-176715806-G-A.
Other names: c.6152-14G>A (NM_001409301.1, NM_001409302.1, NM_001409303.1); c.5732-14G>A (NM_001409304.1); c.5399-14G>A (NM_001409305.1); c.5390-14G>A (NM_001409306.1, NM_001409307.1); c.5279-14G>A (NM_001409308.1, NM_172349.5, NM_001365684.2); c.5137-3149G>A (NM_001409309.1).
Identifiers: ClinVar variation 159403 (VCV000159403.23), dbSNP rs587784182, ClinGen allele CA234443.
Genomic context (GRCh38, chr5:177,288,805, plus strand): 5'-TATCCTTTGTAATTAATACAGAAATAATGTAATTAAAACCATAGATATTAATATTTTCAC[G>A]GTCTCTTATGCAGGCACTGAACTTACCTTCAACTACAACCTAGAATGTCTTGGGAATGGA-3'

ClinVar aggregate classification (germline): Conflicting classifications of pathogenicity. Review status: criteria provided, conflicting classifications (1 of 4 stars). 9 submissions from 9 submitters: Pathogenic (1); Likely pathogenic (2); Uncertain significance (4). 2 of the submissions do not count toward it. Last evaluated 2026-03-24.

Conditions:
NSD1-related disorder. Also called: NSD1-related condition.
Sotos syndrome (SOTOS). Also called: Distinctive facial appearance, overgrowth in childhood, and learning disabilities or delayed development; CEREBRAL GIGANTISM; Sotos' syndrome; CHROMOSOME 5q35 DELETION SYNDROME; SOTOS SYNDROME 1. Identifiers: Orphanet 821, MedGen C0175695, MONDO:0019349, OMIM 117550.
Inborn genetic diseases. Identifiers: MedGen C0950123, MeSH D030342.

Submissions (9):

GeneDx
Classification: Pathogenic. Last evaluated: 2026-03-24. Review status: criteria provided, single submitter. Criteria: GeneDx Variant Classification Process June 2021. Collection method: clinical testing. Allele origin: germline.
Comment: Not observed at significant frequency in large population cohorts (gnomAD); In silico analysis supports a deleterious effect on splicing; This variant is associated with the following publications: (PMID: 35253369)

Ambry Genetics
Classification: Likely pathogenic for Inborn genetic diseases. Last evaluated: 2024-12-06. Review status: criteria provided, single submitter. Criteria: Ambry Variant Classification Scheme 2023. Collection method: clinical testing. Allele origin: germline.
Comment: The c.6152-14G>A intronic alteration results from a G to A substitution 14 nucleotides before exon 21 (coding exon 20) of the NSD1 gene. This variant was not reported in population-based cohorts in the Genome Aggregation Database (gnomAD). This variant was reported as heterozygous in individual(s) with features consistent with Sotos syndrome; in at least one individual, it was determined to be de novo variant (Verberne, 2022; external communication). This nucleotide position is well conserved in available vertebrate species. RNA studies have demonstrated that this alteration results in abnormal splicing in the set of samples tested (Ambry internal data). In silico splice site analysis predicts that this alteration will weaken the native splice acceptor site and may result in the creation or strengthening of a novel splice acceptor site. Based on the available evidence, this alteration is classified as likely pathogenic.

Blueprint Genetics
Classification: Likely pathogenic for NSD1-related disorders. Last evaluated: 2024-06-20. Review status: criteria provided, single submitter. Criteria: ACMG Guidelines, 2015. Collection method: clinical testing. Allele origin: de novo. Affected: yes. Observed: 4 variant alleles.

Laboratorio de Genetica e Diagnostico Molecular, Hospital Israelita Albert Einstein
Classification: Uncertain significance for Sotos syndrome. Last evaluated: 2023-11-30. Review status: criteria provided, single submitter. Criteria: ACMG Guidelines, 2015. Collection method: clinical testing. Allele origin: germline. Affected: yes.
Comment: ACMG classification criteria: PM2 moderate

Labcorp Genetics (formerly Invitae), Labcorp
Classification: Uncertain significance. Last evaluated: 2022-07-25. Review status: criteria provided, single submitter. Criteria: Invitae Variant Classification Sherloc (09022015). Collection method: clinical testing. Allele origin: germline.
Comment: This variant is not present in population databases (gnomAD no frequency). This variant has not been reported in the literature in individuals affected with NSD1-related conditions. ClinVar contains an entry for this variant (Variation ID: 159403). Algorithms developed to predict the effect of sequence changes on RNA splicing suggest that this variant may disrupt the consensus splice site. In summary, the available evidence is currently insufficient to determine the role of this variant in disease. Therefore, it has been classified as a Variant of Uncertain Significance. This sequence change falls in intron 20 of the NSD1 gene. It does not directly change the encoded amino acid sequence of the NSD1 protein.

Eurofins Ntd Llc (ga)
Classification: Uncertain significance. Last evaluated: 2014-03-18. Review status: criteria provided, single submitter. Criteria: EGL Classification Definitions 2015. Collection method: clinical testing. Allele origin: germline. Observed: 1 variant allele, 1 heterozygote.

Genetic Services Laboratory, University of Chicago
Classification: Uncertain significance for Sotos syndrome 1. Last evaluated: 2013-02-08. Review status: criteria provided, single submitter. Criteria: ACMG Guidelines, 2007. Collection method: clinical testing. Allele origin: germline. Inheritance: Autosomal dominant inheritance.

Clinical Genetics DNA and cytogenetics Diagnostics Lab, Erasmus MC, Erasmus Medical Center
Classification: Uncertain significance. Review status: no assertion criteria provided. Collection method: clinical testing. Allele origin: germline. Affected: yes. Study: VKGL Data-share Consensus. Not counted in ClinVar's aggregate classification.

Joint Genome Diagnostic Labs from Nijmegen and Maastricht, Radboudumc and MUMC+
Classification: Uncertain significance. Review status: no assertion criteria provided. Collection method: clinical testing. Allele origin: germline. Affected: yes. Study: VKGL Data-share Consensus. Not counted in ClinVar's aggregate classification.

Literature cited by the submitters: PubMed 35253369 (cited by Ambry Genetics).